The following is an entry in ClinVar:

NM_000238.4(KCNH2):c.955_956del (p.Thr319fs)

Gene: KCNH2 (potassium voltage-gated channel subfamily H member 2; minus strand). Cytogenetic location: 7q36.1.
Variant type: Deletion.
Coding change: c.955_956del on transcript NM_000238.4 (MANE Select); coding-DNA positions 955 to 956, 2 bases deleted (AC; older notation c.955_956delAC).
Protein change: p.Thr319fs; shifts the reading frame from threonine 319.
Molecular consequence: frameshift variant.
Genome position (GRCh38, 1-based): chr7:150,957,463-150,957,464, GT deleted on the plus strand (AC on the coding strand, the reverse complement: KCNH2 is on the minus strand); deleting any 2 consecutive bases within chr7:150,957,463-150,957,465 gives the same sequence; the c. name uses the placement nearest the transcript's 3' end. VCF-style (leftmost placement, unchanged base first): chr7-150957462-GGT-G. GRCh37 (hg19) VCF-style: chr7-150654550-GGT-G.
Other names: c.666_667delCA, p.Thr223Leufs (NM_001406753.1, NM_001406756.1); c.777_778delCA, p.Thr260Leufs (NM_001406755.1); c.654_655delCA, p.Thr219Leufs (NM_001406757.1); c.954_955delCA, p.Thr319Leufs (NM_172056.3); short protein forms T319fs.
Identifiers: ClinVar variation 1072804 (VCV001072804.9), dbSNP rs2116998812, ClinGen allele CA2499218802.

ClinVar aggregate classification (germline): Pathogenic (1 of 4 stars; one submission).

Conditions:
Long QT syndrome (LQTS). Identifiers: MedGen C0023976, MeSH D008133, MONDO:0002442. Disease mechanism: loss of function. Inheritance: Various modes of inheritance.

Submission:

Labcorp Genetics (formerly Invitae), Labcorp
Classification: Pathogenic for Long QT syndrome. Last evaluated: 2022-07-05. Review status: criteria provided, single submitter. Criteria: Invitae Variant Classification Sherloc (09022015). Collection method: clinical testing. Allele origin: germline.
Comment: This variant has not been reported in the literature in individuals affected with KCNH2-related conditions. For these reasons, this variant has been classified as Pathogenic. ClinVar contains an entry for this variant (Variation ID: 1072804). This variant is not present in population databases (gnomAD no frequency). This sequence change creates a premature translational stop signal (p.Thr319Leufs*12) in the KCNH2 gene. It is expected to result in an absent or disrupted protein product. Loss-of-function variants in KCNH2 are known to be pathogenic (PMID: 10973849, 19862833).

Literature cited by the submitters: PubMed 10973849; PubMed 19862833.